The following is an entry in ClinVar:

NM_001291303.3(FAT4):c.10262T>C (p.Ile3421Thr)

Gene: FAT4 (FAT atypical cadherin 4; plus strand). Cytogenetic location: 4q28.1.
Variant type: single nucleotide variant.
Coding change: c.10262T>C on transcript NM_001291303.3 (MANE Select); coding-DNA position 10262, T replaced by C.
Protein change: p.Ile3421Thr; replaces isoleucine 3421 with threonine.
Molecular consequence: missense variant.
Genome position (GRCh38, 1-based): chr4:125,451,272, T>C. VCF-style: chr4-125451272-T-C. GRCh37 (hg19) VCF-style: chr4-126372427-T-C.
Other names: c.10262T>C, p.Ile3421Thr (NM_001291285.3); c.10256T>C, p.Ile3419Thr (NM_024582.6); short protein forms I3419T, I3421T.
Identifiers: ClinVar variation 1023501 (VCV001023501.5), dbSNP rs1726059124, ClinGen allele CA358157950.

ClinVar aggregate classification (germline): Uncertain significance (1 of 4 stars; one submission).

Allele frequency attached by ClinVar (database versions not stated): gnomAD exomes below 0.00001; gnomAD 0.00001.
gnomAD v4.1: 7 of 1,613,974 alleles (0.00043%); highest among the groups gnomAD compares: African/African-American, 0.004%; no homozygotes.

Submission:

Labcorp Genetics (formerly Invitae), Labcorp
Classification: Uncertain significance. Last evaluated: 2023-12-11. Review status: criteria provided, single submitter. Criteria: Invitae Variant Classification Sherloc (09022015). Collection method: clinical testing. Allele origin: germline.
Comment: This sequence change replaces isoleucine, which is neutral and non-polar, with threonine, which is neutral and polar, at codon 3419 of the FAT4 protein (p.Ile3419Thr). This variant is not present in population databases (gnomAD no frequency). This variant has not been reported in the literature in individuals affected with FAT4-related conditions. ClinVar contains an entry for this variant (Variation ID: 1023501). Advanced modeling of protein sequence and biophysical properties (such as structural, functional, and spatial information, amino acid conservation, physicochemical variation, residue mobility, and thermodynamic stability) performed at Invitae indicates that this missense variant is not expected to disrupt FAT4 protein function with a negative predictive value of 80%. In summary, the available evidence is currently insufficient to determine the role of this variant in disease. Therefore, it has been classified as a Variant of Uncertain Significance.